The following is an entry in ClinVar:

NM_002691.4(POLD1):c.1509G>T (p.Gln503His)

Gene: POLD1 (DNA polymerase delta 1, catalytic subunit; plus strand). Cytogenetic location: 19q13.33.
Variant type: single nucleotide variant.
Coding change: c.1509G>T on transcript NM_002691.4 (MANE Select); coding-DNA position 1509, G replaced by T.
Protein change: p.Gln503His; replaces glutamine 503 with histidine.
Molecular consequence: missense variant. On other transcripts: non-coding transcript variant (1).
Genome position (GRCh38, 1-based): chr19:50,406,997, G>T. VCF-style: chr19-50406997-G-T. GRCh37 (hg19) VCF-style: chr19-50910254-G-T.
Other names: c.1509G>T, p.Gln503His (NM_001256849.1, NM_001308632.1); short protein forms Q503H.
Identifiers: ClinVar variation 2011248 (VCV002011248.4), dbSNP rs2513999380, ClinGen allele CA406980774.

ClinVar aggregate classification (germline): Uncertain significance (1 of 4 stars; one submission).

Conditions:
POLD1-related polyposis and colorectal cancer syndrome (CRCS10). Also called: Colorectal cancer 10; COLORECTAL CANCER, SUSCEPTIBILITY TO, ON CHROMOSOME 19q; Colorectal cancer, susceptibility to, 10. Identifiers: Orphanet 220460, MedGen C2675481, MONDO:0012953, OMIM 612591.

Allele frequency attached by ClinVar (database versions not stated): gnomAD exomes below 0.00001.

Submission:

Labcorp Genetics (formerly Invitae), Labcorp
Classification: Uncertain significance for POLD1-related polyposis and colorectal cancer syndrome. Last evaluated: 2024-10-26. Review status: criteria provided, single submitter. Criteria: Invitae Variant Classification Sherloc (09022015). Collection method: clinical testing. Allele origin: germline.
Comment: This sequence change replaces glutamine, which is neutral and polar, with histidine, which is basic and polar, at codon 503 of the POLD1 protein (p.Gln503His). This variant is not present in population databases (gnomAD no frequency). This variant has not been reported in the literature in individuals affected with POLD1-related conditions. ClinVar contains an entry for this variant (Variation ID: 2011248). Invitae Evidence Modeling of protein sequence and biophysical properties (such as structural, functional, and spatial information, amino acid conservation, physicochemical variation, residue mobility, and thermodynamic stability) indicates that this missense variant is not expected to disrupt POLD1 protein function with a negative predictive value of 80%. In summary, the available evidence is currently insufficient to determine the role of this variant in disease. Therefore, it has been classified as a Variant of Uncertain Significance.